The following is an entry in ClinVar:

ClinVar aggregate classification (germline): Uncertain significance (1 of 4 stars; one submission).

gnomAD v4.1: 1 of 1,610,446 alleles (0.000062%); highest among the groups gnomAD compares: Non-Finnish European, 0.000085%; no homozygotes.

Submission:

GeneDx
Classification: Uncertain significance. Last evaluated: 2022-03-16. Review status: criteria provided, single submitter. Criteria: GeneDx Variant Classification Process June 2021. Collection method: clinical testing. Allele origin: germline. Affected: yes.
Comment: Not observed at significant frequency in large population cohorts (gnomAD); In silico analysis supports that this missense variant has a deleterious effect on protein structure/function; Has not been previously published as pathogenic or benign to our knowledge

NM_000540.3(RYR1):c.823T>C (p.Trp275Arg)

Gene: RYR1 (ryanodine receptor 1; plus strand). Cytogenetic location: 19q13.2.
Variant type: single nucleotide variant.
Coding change: c.823T>C on transcript NM_000540.3 (MANE Select); coding-DNA position 823, T replaced by C.
Protein change: p.Trp275Arg; replaces tryptophan 275 with arginine.
Molecular consequence: missense variant.
Genome position (GRCh38, 1-based): chr19:38,448,377, T>C. VCF-style: chr19-38448377-T-C. GRCh37 (hg19) VCF-style: chr19-38939017-T-C.
Other names: c.823T>C, p.Trp275Arg (NM_001042723.2); short protein forms W275R.
Identifiers: ClinVar variation 1706262 (VCV001706262.2), dbSNP rs1466758576, ClinGen allele CA405681052.